The following is an entry in ClinVar:

ClinVar aggregate classification (germline): Pathogenic (1 of 4 stars; one submission).

Submission:

Labcorp Genetics (formerly Invitae), Labcorp
Classification: Pathogenic. Last evaluated: 2022-07-12. Review status: criteria provided, single submitter. Criteria: Invitae Variant Classification Sherloc (09022015). Collection method: clinical testing. Allele origin: germline.
Comment: This variant is a gross deletion of the genomic region encompassing exon(s) 17-20 of the SLC26A4 gene. This variant would be expected to be in-frame, preserving the integrity of the reading frame. For these reasons, this variant has been classified as Pathogenic. This variant disrupts a region of the SLC26A4 protein in which other variant(s) (p.Val659Leu) have been determined to be pathogenic (PMID: 17443271, 21366435, 21961810, 22289209, 23385134, 25372295, 26100058). This suggests that this is a clinically significant region of the protein, and that variants that disrupt it are likely to be disease-causing. This variant has not been reported in the literature in individuals affected with SLC26A4-related conditions.

Literature cited by the submitters: PubMed 17443271; PubMed 21366435; PubMed 21961810; PubMed 22289209; PubMed 23385134; PubMed 25372295; PubMed 26100058.

NC_000007.13:g.(?_107342252)_(107353087_?)del

Gene: SLC26A4 (solute carrier family 26 member 4; plus strand). Cytogenetic location: 7q22.3.
Variant type: Deletion.
Identifiers: ClinVar variation 2423096 (VCV002423096.4).